The following is an entry in ClinVar:

NM_001854.4(COL11A1):c.5357dup (p.Asn1786fs)

Gene: COL11A1 (collagen type XI alpha 1 chain; minus strand). Cytogenetic location: 1p21.1.
Variant type: Duplication.
Coding change: c.5357dup on transcript NM_001854.4 (MANE Select); coding-DNA position 5357, one base duplicated (A; older notation c.5357dupA).
Protein change: p.Asn1786fs; shifts the reading frame from asparagine 1786.
Molecular consequence: frameshift variant. On other transcripts: non-coding transcript variant (1).
Genome position (GRCh38, 1-based): chr1:102,878,083, T duplicated on the plus strand (A on the coding strand, the reverse complement: COL11A1 is on the minus strand); the first of 2 consecutive T bases (chr1:102,878,083-102,878,084); duplicating either gives the same sequence. VCF-style (leftmost placement, unchanged base first): chr1-102878082-A-AT. GRCh37 (hg19) VCF-style: chr1-103343638-A-AT.
Other names: c.5008dup, p.Asn1670Lysfs (NM_001168249.1); c.5240dup, p.Asn1747fs (NM_001190709.2); c.5393dup, p.Asn1798fs (NM_080629.3); c.5009dup, p.Asn1670fs (NM_080630.4); short protein forms N1670fs, N1747fs, N1786fs, N1798fs.
Identifiers: ClinVar variation 2630909 (VCV002630909.4), dbSNP rs2524143820, ClinGen allele CA2695198077.

ClinVar aggregate classification (germline): Uncertain significance. Review status: criteria provided, multiple submitters, no conflicts (2 of 4 stars). 2 submissions from 2 submitters: Uncertain significance (2). Last evaluated 2023-09-14.

Conditions:
COL11A1-related disorder. Also called: COL11A1-related disorders; COL11A1-related condition.

Submissions (2):

PreventionGenetics, part of Exact Sciences
Classification: Uncertain significance for COL11A1-related condition. Last evaluated: 2023-09-14. Review status: criteria provided, single submitter. Criteria: ACMG Guidelines, 2015. Collection method: clinical testing. Allele origin: germline.
Comment: The COL11A1 c.5357dupA variant is predicted to result in a frameshift and premature protein termination (p.Asn1786Lysfs*2). This variant occurs in the last exon, and no premature termination variants downstream of this position have been reported as pathogenic. To our knowledge, this variant has not been reported in the literature or in a large population database, indicating this variant is rare. At this time, the clinical significance of this variant is uncertain due to the absence of conclusive functional and genetic evidence.

Labcorp Genetics (formerly Invitae), Labcorp
Classification: Uncertain significance. Last evaluated: 2023-03-01. Review status: criteria provided, single submitter. Criteria: Invitae Variant Classification Sherloc (09022015). Collection method: clinical testing. Allele origin: germline.
Comment: In summary, the available evidence is currently insufficient to determine the role of this variant in disease. Therefore, it has been classified as a Variant of Uncertain Significance. This sequence change creates a premature translational stop signal (p.Asn1786Lysfs*2) in the COL11A1 gene. While this is not anticipated to result in nonsense mediated decay, it is expected to disrupt the last 21 amino acid(s) of the COL11A1 protein. This variant is not present in population databases (gnomAD no frequency). This variant has not been reported in the literature in individuals affected with COL11A1-related conditions. This variant disrupts a region of the COL11A1 protein in which other variant(s) (p.Gly1800Cys) have been observed in individuals with COL11A1-related conditions (PMID: 23922384). This suggests that this is a clinically significant region of the protein, and that variants that disrupt it are likely to be disease-causing.

Literature cited by the submitters: PubMed 23922384 (cited by Labcorp Genetics (formerly Invitae), Labcorp).